The following is an entry in ClinVar:

NM_152424.4(AMER1):c.229C>T (p.Arg77Trp)

Gene: AMER1 (APC membrane recruitment protein 1; minus strand). Cytogenetic location: Xq11.2.
Variant type: single nucleotide variant.
Coding change: c.229C>T on transcript NM_152424.4 (MANE Select); coding-DNA position 229, C replaced by T.
Protein change: p.Arg77Trp; replaces arginine 77 with tryptophan.
Molecular consequence: missense variant.
Genome position (GRCh38, 1-based): chrX:64,193,058, G>A on the plus strand (C>T on the coding strand, the complement: AMER1 is on the minus strand). VCF-style: chrX-64193058-G-A. GRCh37 (hg19) VCF-style: chrX-63412938-G-A.
Other names: short protein forms R77W.
Identifiers: ClinVar variation 2959301 (VCV002959301.4), dbSNP rs1439395594, ClinGen allele CA413313195.
Genomic context (GRCh38, chrX:64,193,058, plus strand): 5'-CGTGGGTCTTGCTCTTGCTGAGACCTTTCTTGGAGCTGCCTTTCCCAGAACCTTTGCTCC[G>A]TCCCCCTCCAAAGAAACTAGGCAGAGTACAGATACCCTTCTTGCCACCAAAGAGTTTCAT-3'
Protein context (NP_689637.3, residues 67-87): CTLPSFFGGG[Arg77Trp]SKGSGKGSSK

ClinVar aggregate classification (germline): Uncertain significance. Review status: criteria provided, multiple submitters, no conflicts (2 of 4 stars). 2 submissions from 2 submitters: Uncertain significance (2). Last evaluated 2024-12-17.

Conditions:
Osteopathia striata with cranial sclerosis (OSCS). Also called: HYPEROSTOSIS GENERALISATA WITH STRIATIONS. Identifiers: Orphanet 2780, MedGen C0432268, MONDO:0010310, OMIM 300373.

Allele frequency attached by ClinVar (database versions not stated): gnomAD exomes below 0.00001; TOPMed 0.00001.
gnomAD v4.1: 5 of 1,211,611 alleles (0.00041%); highest among the groups gnomAD compares: South Asian, 0.0018%; no homozygotes.

Submissions (2):

Genomic Medicine Center of Excellence, King Faisal Specialist Hospital and Research Centre
Classification: Uncertain significance for Osteopathia striata with cranial sclerosis. Last evaluated: 2024-12-17. Review status: criteria provided, single submitter. Criteria: ACMG Guidelines, 2015. Collection method: clinical testing. Allele origin: germline.

Labcorp Genetics (formerly Invitae), Labcorp
Classification: Uncertain significance. Last evaluated: 2023-04-30. Review status: criteria provided, single submitter. Criteria: Invitae Variant Classification Sherloc (09022015). Collection method: clinical testing. Allele origin: germline.
Comment: This sequence change replaces arginine, which is basic and polar, with tryptophan, which is neutral and slightly polar, at codon 77 of the AMER1 protein (p.Arg77Trp). This variant is not present in population databases (gnomAD no frequency). This variant has not been reported in the literature in individuals affected with AMER1-related conditions. An algorithm developed to predict the effect of missense changes on protein structure and function (PolyPhen-2) suggests that this variant is likely to be disruptive. In summary, the available evidence is currently insufficient to determine the role of this variant in disease. Therefore, it has been classified as a Variant of Uncertain Significance.